The following is an entry in ClinVar:

ClinVar aggregate classification (germline): Uncertain significance (1 of 4 stars; one submission).

Submission:

Labcorp Genetics (formerly Invitae), Labcorp
Classification: Uncertain significance. Last evaluated: 2024-09-04. Review status: criteria provided, single submitter. Criteria: Invitae Variant Classification Sherloc (09022015). Collection method: clinical testing. Allele origin: germline.
Comment: This sequence change replaces valine, which is neutral and non-polar, with leucine, which is neutral and non-polar, at codon 212 of the HPS6 protein (p.Val212Leu). This variant is not present in population databases (gnomAD no frequency). This variant has not been reported in the literature in individuals affected with HPS6-related conditions. Invitae Evidence Modeling of protein sequence and biophysical properties (such as structural, functional, and spatial information, amino acid conservation, physicochemical variation, residue mobility, and thermodynamic stability) indicates that this missense variant is not expected to disrupt HPS6 protein function with a negative predictive value of 80%. In summary, the available evidence is currently insufficient to determine the role of this variant in disease. Therefore, it has been classified as a Variant of Uncertain Significance.

NM_024747.6(HPS6):c.634G>T (p.Val212Leu)

Gene: HPS6 (HPS6 biogenesis of lysosomal organelles complex 2 subunit 3; plus strand). Cytogenetic location: 10q24.32.
Variant type: single nucleotide variant.
Coding change: c.634G>T on transcript NM_024747.6 (MANE Select); coding-DNA position 634, G replaced by T.
Protein change: p.Val212Leu; replaces valine 212 with leucine.
Molecular consequence: missense variant.
Genome position (GRCh38, 1-based): chr10:102,066,108, G>T. VCF-style: chr10-102066108-G-T. GRCh37 (hg19) VCF-style: chr10-103825865-G-T.
Other names: short protein forms V212L.
Identifiers: ClinVar variation 3664280 (VCV003664280.2).